The following is an entry in ClinVar:

ClinVar aggregate classification (germline): Pathogenic. Review status: criteria provided, multiple submitters, no conflicts (2 of 4 stars). 4 submissions from 4 submitters: Pathogenic (3). 1 of the submissions does not count toward it. Last evaluated 2022-12-09.

Conditions:
Retinitis pigmentosa 4 (RP4). Also called: RETINITIS PIGMENTOSA, RHODOPSIN-RELATED. Identifiers: Orphanet 791, MedGen C3151001, MONDO:0013395, OMIM 613731.

Submissions (4):

Labcorp Genetics (formerly Invitae), Labcorp
Classification: Pathogenic. Last evaluated: 2022-12-09. Review status: criteria provided, single submitter. Criteria: Invitae Variant Classification Sherloc (09022015). Collection method: clinical testing. Allele origin: germline.
Comment: For these reasons, this variant has been classified as Pathogenic. This variant disrupts the p.Lys296 amino acid residue in RHO. Other variant(s) that disrupt this residue have been determined to be pathogenic (PMID: 11139241, 21677794, 31087526). This suggests that this residue is clinically significant, and that variants that disrupt this residue are likely to be disease-causing. Advanced modeling of protein sequence and biophysical properties (such as structural, functional, and spatial information, amino acid conservation, physicochemical variation, residue mobility, and thermodynamic stability) performed at Invitae indicates that this missense variant is expected to disrupt RHO protein function. ClinVar contains an entry for this variant (Variation ID: 13030). This missense change has been observed in individual(s) with autosomal dominant retinitis pigmentosa (PMID: 1765377). It has also been observed to segregate with disease in related individuals. This variant is not present in population databases (gnomAD no frequency). This sequence change replaces lysine, which is basic and polar, with glutamic acid, which is acidic and polar, at codon 296 of the RHO protein (p.Lys296Glu).

3billion
Classification: Pathogenic for Retinitis pigmentosa 4. Last evaluated: 2022-01-03. Review status: criteria provided, single submitter. Criteria: ACMG Guidelines, 2015. Collection method: clinical testing. Allele origin: germline. Affected: yes. Observed: 1 heterozygote.
Comment: Same nucleotide change resulting in same amino acid change has been previously reported as pathogenic/likely pathogenic with strong evidence (ClinVar ID: VCV000013030, PMID:1765377, PS1_S). A different missense change at the same codon has been reported as pathogenic/likely pathogenic with strong evidence (ClinVar ID: VCV000955802,VCV000984768, PMID:11139241,NULL,31087526, PM5_M). In silico tool predictions suggest damaging effect of the variant on gene or gene product (REVEL: 0.835, 3CNET: 0.998, PP3_P). A missense variant is a common mechanism associated with Retinitis pigmentosa 4 (PP2_P). It is not observed in the gnomAD v2.1.1 dataset (PM2_M). Therefore, this variant is classified as pathogenic according to the recommendation of ACMG/AMP guideline.

Centre for Genomic Medicine, Manchester, Central Manchester University Hospitals
Classification: Pathogenic for Retinitis pigmentosa 4. Last evaluated: 2020-09-01. Review status: criteria provided, single submitter. Criteria: ACMG Guidelines, 2015. Collection method: clinical testing. Allele origin: germline. Affected: yes. Observed: 3 heterozygotes.

OMIM
Classification: Pathogenic for RETINITIS PIGMENTOSA 4. Last evaluated: 1992-10-01. Review status: no assertion criteria provided. Collection method: literature only. Allele origin: germline. Not counted in ClinVar's aggregate classification.

Literature cited by the submitters: PubMed 11139241 (cited by Labcorp Genetics (formerly Invitae), Labcorp and 3billion); PubMed 21677794 (cited by Labcorp Genetics (formerly Invitae), Labcorp); PubMed 31087526 (cited by Labcorp Genetics (formerly Invitae), Labcorp); PubMed 1765377 (cited by 3 submitters); PubMed 1356370 (cited by OMIM).

NM_000539.3(RHO):c.886A>G (p.Lys296Glu)

Gene: RHO (rhodopsin; plus strand). Cytogenetic location: 3q22.1.
Variant type: single nucleotide variant.
Coding change: c.886A>G on transcript NM_000539.3 (MANE Select); coding-DNA position 886, A replaced by G.
Protein change: p.Lys296Glu; replaces lysine 296 with glutamic acid.
Molecular consequence: missense variant.
Genome position (GRCh38, 1-based): chr3:129,532,722, A>G. VCF-style: chr3-129532722-A-G. GRCh37 (hg19) VCF-style: chr3-129251565-A-G.
Other names: short protein forms K296E.
Identifiers: ClinVar variation 13030 (VCV000013030.8), dbSNP rs29001653, ClinGen allele CA256677.